The following is an entry in ClinVar:

ClinVar aggregate classification (germline): Uncertain significance. Review status: criteria provided, multiple submitters, no conflicts (2 of 4 stars). 2 submissions from 2 submitters: Uncertain significance (2). Last evaluated 2023-10-01.

Conditions:
Saldino-Mainzer syndrome (SRTD9). Also called: CONORENAL SYNDROME; Renal dysplasia, retinal pigmentary dystrophy, cerebellar ataxia and skeletal dysplasia; short-rib thoracic dysplasia 9 with or without polydactyly; SHORT-RIB THORACIC DYSPLASIA 9 WITHOUT POLYDACTYLY. Identifiers: Orphanet 140969, MedGen C1849437, MONDO:0009964, OMIM 266920.
Retinal dystrophy. Also called: Inherited retinal dystrophy. Identifiers: Orphanet 71862, MedGen C0854723, MeSH D058499, MONDO:0019118, HP:0000556.

Allele frequency attached by ClinVar (database versions not stated): TOPMed below 0.00001; gnomAD exomes 0.00001.
gnomAD v4.1: 14 of 1,614,150 alleles (0.00087%); highest among the groups gnomAD compares: East Asian, 0.031%; no homozygotes.

Submissions (2):

Dept Of Ophthalmology, Nagoya University
Classification: Uncertain significance for Retinal dystrophy. Last evaluated: 2023-10-01. Review status: criteria provided, single submitter. Criteria: Submitter's publication. Collection method: research. Allele origin: germline. Affected: yes.

Labcorp Genetics (formerly Invitae), Labcorp
Classification: Uncertain significance for Saldino-Mainzer syndrome. Last evaluated: 2020-09-09. Review status: criteria provided, single submitter. Criteria: Invitae Variant Classification Sherloc (09022015). Collection method: clinical testing. Allele origin: germline.
Comment: In summary, the available evidence is currently insufficient to determine the role of this variant in disease. Therefore, it has been classified as a Variant of Uncertain Significance. Algorithms developed to predict the effect of missense changes on protein structure and function are either unavailable or do not agree on the potential impact of this missense change (SIFT: "Deleterious"; PolyPhen-2: "Probably Damaging"; Align-GVGD: "Class C0"). This variant has not been reported in the literature in individuals with IFT140-related conditions. This variant is not present in population databases (ExAC no frequency). This sequence change replaces serine with cysteine at codon 120 of the IFT140 protein (p.Ser120Cys). The serine residue is moderately conserved and there is a moderate physicochemical difference between serine and cysteine.

NM_014714.4(IFT140):c.359C>G (p.Ser120Cys)

Genes: IFT140 (intraflagellar transport 140; minus strand), LOC105371046 (uncharacterized LOC105371046; plus strand). Cytogenetic location: 16p13.3.
Variant type: single nucleotide variant.
Coding change: c.359C>G on transcript NM_014714.4 (MANE Select); coding-DNA position 359, C replaced by G.
Protein change: p.Ser120Cys; replaces serine 120 with cysteine.
Molecular consequence: missense variant.
Genome position (GRCh38, 1-based): chr16:1,602,380, G>C on the plus strand (C>G on the coding strand, the complement: IFT140 is on the minus strand). VCF-style: chr16-1602380-G-C. GRCh37 (hg19) VCF-style: chr16-1652381-G-C.
Other names: short protein forms S120C.
Identifiers: ClinVar variation 1058098 (VCV001058098.10), dbSNP rs1457067377, ClinGen allele CA394222944.
Genomic context (GRCh38, chr16:1,602,380, plus strand): 5'-GTCAGAAAGGGTCAAGGTCTGAAAACAGCGTCTTGCGCGTGTTGACTCACCCTGTCCCCA[G>C]ACAGCAGGCAGTTTCCACTGGGGCTCCAACGGAGCACGGTGATGTCGGCTGTGTGTGTCA-3'
Protein context (NP_055529.2, residues 110-130): RWSPSGNCLL[Ser120Cys]GDRLGVLLLW